The following is an entry in ClinVar:

ClinVar aggregate classification (germline): Uncertain significance (1 of 4 stars; one submission).

Conditions:
Inborn genetic diseases. Identifiers: MedGen C0950123, MeSH D030342.

Submission:

Ambry Genetics
Classification: Uncertain significance for Inborn genetic diseases. Last evaluated: 2024-12-14. Review status: criteria provided, single submitter. Criteria: Ambry Variant Classification Scheme 2023. Collection method: clinical testing. Allele origin: germline.
Comment: The p.L649F variant (also known as c.1945C>T), located in coding exon 17 of the KDM1A gene, results from a C to T substitution at nucleotide position 1945. The leucine at codon 649 is replaced by phenylalanine, an amino acid with highly similar properties. This amino acid position is conserved. In addition, this alteration is predicted to be deleterious by in silico analysis. Based on the available evidence, the clinical significance of this variant remains unclear.

NM_001009999.3(KDM1A):c.1945C>T (p.Leu649Phe)

Gene: KDM1A (lysine demethylase 1A; plus strand). Cytogenetic location: 1p36.12.
Variant type: single nucleotide variant.
Coding change: c.1945C>T on transcript NM_001009999.3 (MANE Select); coding-DNA position 1945, C replaced by T.
Protein change: p.Leu649Phe; replaces leucine 649 with phenylalanine.
Molecular consequence: missense variant.
Genome position (GRCh38, 1-based): chr1:23,079,067, C>T. VCF-style: chr1-23079067-C-T. GRCh37 (hg19) VCF-style: chr1-23405560-C-T.
Other names: c.1891C>T, p.Leu631Phe (NM_001363654.2); c.1951C>T, p.Leu651Phe (NM_001410762.1); c.1873C>T, p.Leu625Phe (NM_001410763.1, NM_015013.4); short protein forms L625F, L649F, L631F, L651F.
Identifiers: ClinVar variation 3863204 (VCV003863204.1).
Genomic context (GRCh38, chr1:23,079,067, plus strand): 5'-GTGAATACCCGCTCCACGAGTCAAACCTTTATTTATAAATGCGACGCAGTTCTCTGTACC[C>T]TTCCCCTGGGTGTGCTGAAGCAGCAGCCACCAGCCGTTCAGTTTGTGCCACCTCTCCCTG-3'
Protein context (NP_001009999.1, residues 639-659): IYKCDAVLCT[Leu649Phe]PLGVLKQQPP